The following is an entry in ClinVar:

NM_002941.4(ROBO1):c.4952G>A (p.Ser1651Asn)

Gene: ROBO1 (roundabout guidance receptor 1; minus strand). Cytogenetic location: 3p12.3.
Variant type: single nucleotide variant.
Coding change: c.4952G>A on transcript NM_002941.4 (MANE Select); coding-DNA position 4952, G replaced by A.
Protein change: p.Ser1651Asn; replaces serine 1651 with asparagine.
Molecular consequence: missense variant.
Genome position (GRCh38, 1-based): chr3:78,598,917, C>T on the plus strand (G>A on the coding strand, the complement: ROBO1 is on the minus strand). VCF-style: chr3-78598917-C-T. GRCh37 (hg19) VCF-style: chr3-78648067-C-T.
Other names: c.4652G>A, p.Ser1551Asn (NM_001145845.2); c.4817G>A, p.Ser1606Asn (NM_133631.4); short protein forms S1551N, S1606N, S1651N.
Identifiers: ClinVar variation 3372158 (VCV003372158.1).
Genomic context (GRCh38, chr3:78,598,917, plus strand): 5'-GGAGGCATCTTGAGTGATGATTTTCACATTAGATCTCATAAGCCTCTTGGTTGTCTTCAG[C>T]TTTCAGTTTCCTGTAAGAGATACGTTATTGTCACATTTGAAAATAAATCTTAAGAGGATT-3'
Protein context (NP_002932.1, residues 1641-1651): DNNEELEETE[Ser1651Asn]

ClinVar aggregate classification (germline): Uncertain significance (1 of 4 stars; one submission).

gnomAD v4.1: 1 of 1,574,604 alleles (0.000064%); highest among the groups gnomAD compares: African/African-American, 0.0014%; no homozygotes.

Submission:

GeneDx
Classification: Uncertain significance. Last evaluated: 2024-04-22. Review status: criteria provided, single submitter. Criteria: GeneDx Variant Classification Process June 2021. Collection method: clinical testing. Allele origin: germline. Affected: yes.
Comment: Not observed at significant frequency in large population cohorts (gnomAD); In silico analysis indicates that this missense variant does not alter protein structure/function; Has not been previously published as pathogenic or benign to our knowledge